The following is an entry in ClinVar:

ClinVar aggregate classification (germline): Uncertain significance (1 of 4 stars; one submission).

Submission:

GeneDx
Classification: Uncertain significance. Last evaluated: 2024-07-07. Review status: criteria provided, single submitter. Criteria: GeneDx Variant Classification Process June 2021. Collection method: clinical testing. Allele origin: germline. Affected: yes.
Comment: Not observed at significant frequency in large population cohorts (gnomAD); In silico analysis supports that this missense variant has a deleterious effect on protein structure/function; Has not been previously published as pathogenic or benign to our knowledge

NM_182641.4(BPTF):c.2450C>G (p.Pro817Arg)

Gene: BPTF (bromodomain PHD finger transcription factor; plus strand). Cytogenetic location: 17q24.2.
Variant type: single nucleotide variant.
Coding change: c.2450C>G on transcript NM_182641.4 (MANE Select); coding-DNA position 2450, C replaced by G.
Protein change: p.Pro817Arg; replaces proline 817 with arginine.
Molecular consequence: missense variant.
Genome position (GRCh38, 1-based): chr17:67,894,072, C>G. VCF-style: chr17-67894072-C-G. GRCh37 (hg19) VCF-style: chr17-65890188-C-G.
Other names: c.2828C>G, p.Pro943Arg (NM_004459.7); short protein forms P943R, P817R.
Identifiers: ClinVar variation 3572654 (VCV003572654.1).